The following is an entry in ClinVar:

NM_006017.3(PROM1):c.1152G>C (p.Arg384Ser)

Gene: PROM1 (prominin 1; minus strand). Cytogenetic location: 4p15.32.
Variant type: single nucleotide variant.
Coding change: c.1152G>C on transcript NM_006017.3 (MANE Select); coding-DNA position 1152, G replaced by C.
Protein change: p.Arg384Ser; replaces arginine 384 with serine.
Molecular consequence: missense variant.
Genome position (GRCh38, 1-based): chr4:16,009,098, C>G on the plus strand (G>C on the coding strand, the complement: PROM1 is on the minus strand). VCF-style: chr4-16009098-C-G. GRCh37 (hg19) VCF-style: chr4-16010721-C-G.
Other names: c.1125G>C, p.Arg375Ser (NM_001145847.2, NM_001145848.2, NM_001145851.2 and 4 more transcripts); c.1152G>C, p.Arg384Ser (NM_001145849.2, NM_001145850.2); short protein forms R375S, R384S.
Identifiers: ClinVar variation 842166 (VCV000842166.14), dbSNP rs201748228, ClinGen allele CA2866846.
Genomic context (GRCh38, chr4:16,009,098, plus strand): 5'-ATCCTGAATAGGAAGACGCTGAGTTACATTGTCGATATCTGAACCAATGGAATTCAAGAC[C>G]CTTTTGATACCTGAAAACAAAGATACCTTTGTTATGCATTTGCAAACATGGAGGAAATAG-3'
Protein context (NP_006008.1, residues 374-394): QTTTVVAGIK[Arg384Ser]VLNSIGSDID

ClinVar aggregate classification (germline): Conflicting classifications of pathogenicity. Review status: criteria provided, conflicting classifications (1 of 4 stars). 9 submissions from 6 submitters: Uncertain significance (6); Likely benign (2). 1 of the submissions does not count toward it. Last evaluated 2026-08-27.

Conditions:
Cone-rod dystrophy 12 (CORD12). Identifiers: Orphanet 1872, MedGen C2675210, MONDO:0012983, OMIM 612657.
Inborn genetic diseases. Identifiers: MedGen C0950123, MeSH D030342.
Stargardt disease 4 (STGD4). Identifiers: Orphanet 827, MedGen C1863534, MONDO:0011370, OMIM 603786.
Retinal macular dystrophy type 2 (MCDR2). Also called: Bull's eye macular dystrophy. Identifiers: Orphanet 319640, MedGen C4749334, MONDO:0011957, OMIM 608051.
PROM1-related disorder. Also called: PROM1-related condition; PROM1-related disorders.
Retinitis pigmentosa (RP). Identifiers: Orphanet 791, MedGen C0035334, MeSH D012174, MONDO:0019200, OMIM 268000. Inheritance: Autosomal dominant, autosomal recessive and X linked inheritance.

Allele frequency attached by ClinVar (database versions not stated): gnomAD 0.00005 and 0.00007; ExAC 0.00012; TOPMed 0.00012; gnomAD exomes 0.00015; 1000 Genomes Project 30x 0.00047; 1000 Genomes Project 0.00060.
gnomAD v4.1: 82 of 1,612,154 alleles (0.0051%); highest among the groups gnomAD compares: Admixed American, 0.09%; no homozygotes.

Submissions (9):

PreventionGenetics, part of Exact Sciences
Classification: Uncertain significance for PROM1-related condition. Last evaluated: 2026-08-27. Review status: criteria provided, single submitter. Criteria: ACMG Guidelines, 2015. Collection method: clinical testing. Allele origin: germline.
Comment: The PROM1 c.1152G>C variant is predicted to result in the amino acid substitution p.Arg384Ser. To our knowledge, this variant has not been reported in the literature. This variant is reported in 0.099% of alleles in individuals of Latino descent in gnomAD, which may be too frequent to be a primary cause of disease. Although we suspect that this variant may be benign, at this time, the clinical significance of this variant is uncertain due to the absence of conclusive functional and genetic evidence.

Labcorp Genetics (formerly Invitae), Labcorp
Classification: Uncertain significance. Last evaluated: 2025-12-10. Review status: criteria provided, single submitter. Criteria: Invitae Variant Classification Sherloc (09022015). Collection method: clinical testing. Allele origin: germline.
Comment: This sequence change replaces arginine, which is basic and polar, with serine, which is neutral and polar, at codon 384 of the PROM1 protein (p.Arg384Ser). This variant is present in population databases (rs201748228, gnomAD 0.1%). This variant has not been reported in the literature in individuals affected with PROM1-related conditions. ClinVar contains an entry for this variant (Variation ID: 842166). Invitae Evidence Modeling of protein sequence and biophysical properties (such as structural, functional, and spatial information, amino acid conservation, physicochemical variation, residue mobility, and thermodynamic stability) indicates that this missense variant is not expected to disrupt PROM1 protein function with a negative predictive value of 80%. In summary, the available evidence is currently insufficient to determine the role of this variant in disease. Therefore, it has been classified as a Variant of Uncertain Significance.

Ambry Genetics
Classification: Uncertain significance for Inborn genetic diseases. Last evaluated: 2025-08-28. Review status: criteria provided, single submitter. Criteria: Ambry Variant Classification Scheme 2023. Collection method: clinical testing. Allele origin: germline.

Blueprint Genetics
Classification: Uncertain significance. Last evaluated: 2021-12-08. Review status: criteria provided, single submitter. Criteria: ACMG Guidelines, 2015. Collection method: clinical testing. Allele origin: germline.

Illumina Laboratory Services, Illumina
Classification: Likely benign for Cone-rod dystrophy 12. Last evaluated: 2018-01-13. Review status: criteria provided, single submitter. Criteria: ICSL Variant Classification Criteria 13 December 2019. Collection method: clinical testing. Allele origin: germline.
Comment: This variant was observed in the ICSL laboratory as part of a predisposition screen in an ostensibly healthy population. It had not been previously curated by ICSL or reported in the Human Gene Mutation Database (HGMD: prior to June 1st, 2018), and was therefore a candidate for classification through an automated scoring system. Utilizing variant allele frequency, disease prevalence and penetrance estimates, and inheritance mode, an automated score was calculated to assess if this variant is too frequent to cause the disease. Based on the score and internal cut-off values, a variant classified as likely benign is not then subjected to further curation. The score for this variant resulted in a classification of likely benign for this disease.

Illumina Laboratory Services, Illumina
Classification: Likely benign for Stargardt disease 4. Last evaluated: 2018-01-13. Review status: criteria provided, single submitter. Criteria: ICSL Variant Classification Criteria 13 December 2019. Collection method: clinical testing. Allele origin: germline.
Comment: the same text as in the submission from Illumina Laboratory Services, Illumina above.

Illumina Laboratory Services, Illumina
Classification: Uncertain significance for Retinal macular dystrophy type 2. Last evaluated: 2018-01-13. Review status: criteria provided, single submitter. Criteria: ICSL Variant Classification Criteria 13 December 2019. Collection method: clinical testing. Allele origin: germline.

Illumina Laboratory Services, Illumina
Classification: Uncertain significance for Retinitis pigmentosa. Last evaluated: 2018-01-13. Review status: criteria provided, single submitter. Criteria: ICSL Variant Classification Criteria 13 December 2019. Collection method: clinical testing. Allele origin: germline.

Department of Pathology and Laboratory Medicine, Sinai Health System
Classification: Uncertain significance. Review status: no assertion criteria provided. Collection method: clinical testing. Allele origin: unknown. Affected: yes. Study: The Canadian Open Genetics Repository (COGR). Not counted in ClinVar's aggregate classification.
Comment: The PROM1 p.R384S variant was not identified in the literature but was identified in dbSNP (ID: rs201748228) and ClinVar (classified as uncertain significance by Invitae and Illumina for bull's eye macular dystrophy and retinitis pigmentosa; and as likely benign by Illumina for cone-rod dystrophy 12 and Stargardt disease 4) The variant was identified in control databases in 37 of 248162 chromosomes at a frequency of 0.0001491, and was observed at the highest frequency in the Latino population in 34 of 34272 chromosomes (freq: 0.0009921) (Genome Aggregation Database March 6, 2019, v2.1.1). The p.R384 residue is not conserved in mammals and computational analyses (MUT Assesor, PolyPhen-2, SIFT, MutationTaster, Revel, FATHMM, MetaLR, DANN) do not suggest a high likelihood of impact to the protein; however this information is not predictive enough to rule out pathogenicity. The variant occurs outside of the splicing consensus sequence and in silico or computational prediction software programs (Splice AI exome) do not predict a difference in splicing. In summary, based on the above information the clinical significance of this variant cannot be determined with certainty at this time. This variant is classified as a variant of uncertain significance.